The following is an entry in ClinVar:

ClinVar aggregate classification (germline): Conflicting classifications of pathogenicity. Review status: criteria provided, conflicting classifications (1 of 4 stars). 2 submissions from 2 submitters: Uncertain significance (1); Likely benign (1). Last evaluated 2024-09-26.

Conditions:
Rhabdoid tumor predisposition syndrome 2 (RTPS2). Identifiers: Orphanet 231108, Orphanet 69077, MedGen C2750074, MONDO:0013224, OMIM 613325.
Hereditary cancer-predisposing syndrome. Also called: Hereditary neoplastic syndrome; Neoplastic Syndromes, Hereditary; Hereditary Cancer Syndrome; Tumor predisposition. Identifiers: Orphanet 140162, MedGen C0027672, MeSH D009386, MONDO:0015356.

Submissions (2):

Ambry Genetics
Classification: Uncertain significance for Hereditary cancer-predisposing syndrome. Last evaluated: 2024-09-26. Review status: criteria provided, single submitter. Criteria: Ambry Variant Classification Scheme 2023. Collection method: clinical testing. Allele origin: germline.
Comment: The c.4200A>G variant (also known as p.T1400T), located in coding exon 29 of the SMARCA4 gene, results from an A to G substitution at nucleotide position 4200. This nucleotide substitution does not change the amino acid at codon 1400. This nucleotide position is conserved on limited sequence alignment. In silico splice site analysis for this alteration is inconclusive however, direct evidence is insufficient at this time (Ambry internal data). Based on the available evidence, the clinical significance of this variant remains unclear.

Labcorp Genetics (formerly Invitae), Labcorp
Classification: Likely benign for Rhabdoid tumor predisposition syndrome 2. Last evaluated: 2024-04-30. Review status: criteria provided, single submitter. Criteria: Invitae Variant Classification Sherloc (09022015). Collection method: clinical testing. Allele origin: germline.

NM_001387283.1(SMARCA4):c.4200A>G (p.Thr1400=)

Gene: SMARCA4 (SWI/SNF related BAF chromatin remodeling complex subunit ATPase 4; plus strand). Cytogenetic location: 19p13.2.
Variant type: single nucleotide variant.
Coding change: c.4200A>G on transcript NM_001387283.1 (MANE Plus Clinical); coding-DNA position 4200, A replaced by G.
Protein change: p.Thr1400=; no amino-acid change (threonine 1400 retained).
Molecular consequence: synonymous variant. On other transcripts: intron variant (7).
Genome position (GRCh38, 1-based): chr19:11,039,487, A>G. VCF-style: chr19-11039487-A-G. GRCh37 (hg19) VCF-style: chr19-11150163-A-G.
Other names: c.4200A>G, p.Thr1400= (NM_001128849.3); c.4171-1820A>G (NM_001128844.3, NM_003072.5); c.4072-1820A>G (NM_001128847.4, NM_001374457.1, NM_001128848.2); c.4072-1811A>G (NM_001128845.2, NM_001128846.2); c.4200A>G (NM_001128849.1).
Identifiers: ClinVar variation 1556385 (VCV001556385.9), dbSNP rs1060504439, ClinGen allele CA2573155622.
Genomic context (GRCh38, chr19:11,039,487, plus strand): 5'-ACTAAACAGACATTAAAAAATTTTGTTGTAGAAAATTACAGGAAAAGATATCCATGACAC[A>G]GCCAGCAGTGTGGCACGTGGGCTACAATTCCAGCGTGGCCTTCAGTTCTGCACACGTGCG-3'
Protein context (NP_001374212.1, residues 1390-1410): KKITGKDIHD[Thr1400=]ASSVARGLQF